The following is an entry in ClinVar:

ClinVar aggregate classification (germline): Likely pathogenic (1 of 4 stars; one submission).

Submission:

Labcorp Genetics (formerly Invitae), Labcorp
Classification: Likely pathogenic. Last evaluated: 2022-05-09. Review status: criteria provided, single submitter. Criteria: Invitae Variant Classification Sherloc (09022015). Collection method: clinical testing. Allele origin: germline.
Comment: This variant has not been reported in the literature in individuals affected with LAMA3-related conditions. This variant is not present in population databases (gnomAD no frequency). This sequence change affects an acceptor splice site in intron 15 of the LAMA3 gene. It is expected to disrupt RNA splicing. Variants that disrupt the donor or acceptor splice site typically lead to a loss of protein function (PMID: 16199547), and loss-of-function variants in LAMA3 are known to be pathogenic (PMID: 10366601, 11810295, 12915477, 16473856, 17362460, 22434185, 23869449, 27827380, 28087116). Algorithms developed to predict the effect of sequence changes on RNA splicing suggest that this variant may disrupt the consensus splice site. In summary, the currently available evidence indicates that the variant is pathogenic, but additional data are needed to prove that conclusively. Therefore, this variant has been classified as Likely Pathogenic.

Literature cited by the submitters: PubMed 16199547; PubMed 10366601; PubMed 11810295; PubMed 12915477; PubMed 16473856; PubMed 17362460; PubMed 22434185; PubMed 23869449; PubMed 27827380; PubMed 28087116.

NM_198129.4(LAMA3):c.6719-2A>T

Gene: LAMA3 (laminin subunit alpha 3; plus strand). Cytogenetic location: 18q11.2.
Variant type: single nucleotide variant.
Coding change: c.6719-2A>T on transcript NM_198129.4 (MANE Select); the canonical splice acceptor site of the intron before coding-DNA position 6719, A replaced by T.
Molecular consequence: splice acceptor variant.
Genome position (GRCh38, 1-based): chr18:23,907,548, A>T. VCF-style: chr18-23907548-A-T. GRCh37 (hg19) VCF-style: chr18-21487512-A-T.
Other names: c.6551-2A>T (NM_001127717.4); c.1892-2A>T (NM_000227.6); c.1724-2A>T (NM_001127718.4).
Identifiers: ClinVar variation 2132113 (VCV002132113.4), dbSNP rs1555734356, ClinGen allele CA402052422.